The following is an entry in ClinVar:

NM_001365951.3(KIF1B):c.1319C>G (p.Thr440Ser)

Gene: KIF1B (kinesin family member 1B; plus strand). Cytogenetic location: 1p36.22.
Variant type: single nucleotide variant.
Coding change: c.1319C>G on transcript NM_001365951.3 (MANE Select); coding-DNA position 1319, C replaced by G.
Protein change: p.Thr440Ser; replaces threonine 440 with serine.
Molecular consequence: missense variant.
Genome position (GRCh38, 1-based): chr1:10,282,418, C>G. VCF-style: chr1-10282418-C-G. GRCh37 (hg19) VCF-style: chr1-10342476-C-G.
Other names: c.1319C>G, p.Thr440Ser (NM_001365952.1); c.1181C>G, p.Thr394Ser (NM_001365953.1, NM_015074.3, NM_183416.4); short protein forms T394S, T440S.
Identifiers: ClinVar variation 836835 (VCV000836835.13), dbSNP rs1649455397, ClinGen allele CA338336187.

ClinVar aggregate classification (germline): Uncertain significance. Review status: criteria provided, multiple submitters, no conflicts (2 of 4 stars). 2 submissions from 2 submitters: Uncertain significance (2). Last evaluated 2025-09-22.

Conditions:
Charcot-Marie-Tooth disease type 2. Also called: Charcot-Marie-Tooth type 2. Identifiers: Orphanet 64746, MedGen C0270914, MONDO:0018993.

Submissions (2):

Ambry Genetics
Classification: Uncertain significance. Last evaluated: 2025-09-22. Review status: criteria provided, single submitter. Criteria: Ambry Variant Classification Scheme 2023. Collection method: clinical testing. Allele origin: germline.
Comment: The p.T394S variant (also known as c.1181C>G), located in coding exon 12 of the KIF1B gene, results from a C to G substitution at nucleotide position 1181. The threonine at codon 394 is replaced by serine, an amino acid with similar properties. This amino acid position is conserved. In addition, this alteration is predicted to be tolerated by in silico analysis. Since supporting evidence is limited at this time, the clinical significance of this alteration remains unclear.

Labcorp Genetics (formerly Invitae), Labcorp
Classification: Uncertain significance for Charcot-Marie-Tooth disease type 2. Last evaluated: 2023-03-03. Review status: criteria provided, single submitter. Criteria: Invitae Variant Classification Sherloc (09022015). Collection method: clinical testing. Allele origin: germline.
Comment: This variant is not present in population databases (gnomAD no frequency). This sequence change replaces threonine, which is neutral and polar, with serine, which is neutral and polar, at codon 394 of the KIF1B protein (p.Thr394Ser). This variant has not been reported in the literature in individuals affected with KIF1B-related conditions. ClinVar contains an entry for this variant (Variation ID: 836835). An algorithm developed to predict the effect of missense changes on protein structure and function (PolyPhen-2) suggests that this variant is likely to be tolerated. In summary, the available evidence is currently insufficient to determine the role of this variant in disease. Therefore, it has been classified as a Variant of Uncertain Significance.